The following is an entry in ClinVar:

ClinVar aggregate classification (germline): Likely benign. Review status: criteria provided, multiple submitters, no conflicts (2 of 4 stars). 2 submissions from 2 submitters: Likely benign (2). Last evaluated 2024-12-27.

Conditions:
CRB1-related disorder. Also called: CRB1-related condition; CRB1-related disorders.

gnomAD v4.1: 235 of 1,510,578 alleles (0.016%); highest among the groups gnomAD compares: African/African-American, 0.25%; no homozygotes.

Submissions (2):

PreventionGenetics, part of Exact Sciences
Classification: Likely benign for CRB1-related condition. Last evaluated: 2024-12-27. Review status: criteria provided, single submitter. Criteria: ACMG Guidelines, 2015. Collection method: clinical testing. Allele origin: germline.
Comment: This variant is classified as likely benign based on ACMG/AMP sequence variant interpretation guidelines (Richards et al. 2015 PMID: 25741868, with internal and published modifications).

Blueprint Genetics
Classification: Likely benign. Last evaluated: 2024-02-14. Review status: criteria provided, single submitter. Criteria: ACMG Guidelines, 2015. Collection method: clinical testing. Allele origin: germline.

NM_201253.3(CRB1):c.2677-355T>A

Gene: CRB1 (crumbs cell polarity complex component 1; plus strand). Cytogenetic location: 1q31.3.
Variant type: single nucleotide variant.
Coding change: c.2677-355T>A on transcript NM_201253.3 (MANE Select); 355 bases into the intron before coding-DNA position 2677, T replaced by A.
Molecular consequence: intron variant. On other transcripts: missense variant (1).
Genome position (GRCh38, 1-based): chr1:197,429,094, T>A. VCF-style: chr1-197429094-T-A. GRCh37 (hg19) VCF-style: chr1-197398224-T-A.
Other names: c.2590T>A (NM_001257965.1); c.2590T>A, p.Ser864Thr (NM_001257965.2); c.2129-6506T>A (NM_001257966.2); c.2341-355T>A (NM_001193640.2); short protein forms S864T.
Identifiers: ClinVar variation 4926912 (VCV004926912.2).